The following is an entry in ClinVar:

ClinVar aggregate classification (germline): Uncertain significance (1 of 4 stars; one submission).

Conditions:
Polyglandular autoimmune syndrome, type 1 (APS1). Also called: HYPOADRENOCORTICISM WITH HYPOPARATHYROIDISM AND SUPERFICIAL MONILIASIS; PGA I; AUTOIMMUNE POLYENDOCRINE SYNDROME, TYPE I, WITH OR WITHOUT REVERSIBLE METAPHYSEAL DYSPLASIA; APS I; Autoimmune polyendocrinopathy syndrome , type I, with or without reversible metaphyseal dysplasia; Whitaker syndrome. Identifiers: Orphanet 3453, MedGen C0085859, MONDO:0009411, OMIM 240300.

Submission:

Labcorp Genetics (formerly Invitae), Labcorp
Classification: Uncertain significance for Polyglandular autoimmune syndrome, type 1. Last evaluated: 2024-07-10. Review status: criteria provided, single submitter. Criteria: Invitae Variant Classification Sherloc (09022015). Collection method: clinical testing. Allele origin: germline.
Comment: This sequence change replaces glutamic acid, which is acidic and polar, with aspartic acid, which is acidic and polar, at codon 296 of the AIRE protein (p.Glu296Asp). This variant is not present in population databases (gnomAD no frequency). This variant has not been reported in the literature in individuals affected with AIRE-related conditions. An algorithm developed to predict the effect of missense changes on protein structure and function outputs the following: PolyPhen-2: "Possibly Damaging". The aspartic acid amino acid residue is found in multiple mammalian species, which suggests that this missense change does not adversely affect protein function. In summary, the available evidence is currently insufficient to determine the role of this variant in disease. Therefore, it has been classified as a Variant of Uncertain Significance.

NM_000383.4(AIRE):c.888G>T (p.Glu296Asp)

Gene: AIRE (autoimmune regulator; plus strand). Cytogenetic location: 21q22.3.
Variant type: single nucleotide variant.
Coding change: c.888G>T on transcript NM_000383.4 (MANE Select); coding-DNA position 888, G replaced by T.
Protein change: p.Glu296Asp; replaces glutamic acid 296 with aspartic acid.
Molecular consequence: missense variant.
Genome position (GRCh38, 1-based): chr21:44,291,103, G>T. VCF-style: chr21-44291103-G-T. GRCh37 (hg19) VCF-style: chr21-45710986-G-T.
Other names: short protein forms E296D.
Identifiers: ClinVar variation 3637843 (VCV003637843.2).